The following is an entry in ClinVar:

NM_004064.5(CDKN1B):c.254C>T (p.Pro85Leu)

Gene: CDKN1B (cyclin dependent kinase inhibitor 1B; plus strand). Cytogenetic location: 12p13.1.
Variant type: single nucleotide variant.
Coding change: c.254C>T on transcript NM_004064.5 (MANE Select); coding-DNA position 254, C replaced by T.
Protein change: p.Pro85Leu; replaces proline 85 with leucine.
Molecular consequence: missense variant.
Genome position (GRCh38, 1-based): chr12:12,718,093, C>T. VCF-style: chr12-12718093-C-T. GRCh37 (hg19) VCF-style: chr12-12871027-C-T.
Other names: short protein forms P85L.
Identifiers: ClinVar variation 1500564 (VCV001500564.11), dbSNP rs2136355888, ClinGen allele CA383969826.

ClinVar aggregate classification (germline): Uncertain significance. Review status: criteria provided, multiple submitters, no conflicts (2 of 4 stars). 2 submissions from 2 submitters: Uncertain significance (2). Last evaluated 2025-10-02.

Conditions:
Multiple endocrine neoplasia type 4. Also called: MULTIPLE ENDOCRINE NEOPLASIA, TYPE IV. Identifiers: Orphanet 276152, MedGen C1970712, MONDO:0012552, OMIM 610755.
Hereditary cancer-predisposing syndrome. Also called: Tumor predisposition; Hereditary neoplastic syndrome; Neoplastic Syndromes, Hereditary; Hereditary Cancer Syndrome. Identifiers: Orphanet 140162, MedGen C0027672, MeSH D009386, MONDO:0015356.

Submissions (2):

Labcorp Genetics (formerly Invitae), Labcorp
Classification: Uncertain significance for Multiple endocrine neoplasia type 4. Last evaluated: 2025-10-02. Review status: criteria provided, single submitter. Criteria: Invitae Variant Classification Sherloc (09022015). Collection method: clinical testing. Allele origin: germline.
Comment: This sequence change replaces proline, which is neutral and non-polar, with leucine, which is neutral and non-polar, at codon 85 of the CDKN1B protein (p.Pro85Leu). This variant is not present in population databases (gnomAD no frequency). This variant has not been reported in the literature in individuals affected with CDKN1B-related conditions. ClinVar contains an entry for this variant (Variation ID: 1500564). An algorithm developed to predict the effect of missense changes on protein structure and function (PolyPhen-2) suggests that this variant is likely to be disruptive. In summary, the available evidence is currently insufficient to determine the role of this variant in disease. Therefore, it has been classified as a Variant of Uncertain Significance.

Ambry Genetics
Classification: Uncertain significance for Hereditary cancer-predisposing syndrome. Last evaluated: 2025-04-11. Review status: criteria provided, single submitter. Criteria: Ambry Variant Classification Scheme 2023. Collection method: clinical testing. Allele origin: germline.
Comment: The p.P85L variant (also known as c.254C>T), located in coding exon 1 of the CDKN1B gene, results from a C to T substitution at nucleotide position 254. The proline at codon 85 is replaced by leucine, an amino acid with similar properties. This amino acid position is highly conserved in available vertebrate species. In addition, this alteration is predicted to be deleterious by in silico analysis. Since supporting evidence is limited at this time, the clinical significance of this alteration remains unclear.